The following is an entry in ClinVar:

NM_004722.4(AP4M1):c.566T>G (p.Leu189Trp)

Gene: AP4M1 (adaptor related protein complex 4 subunit mu 1; plus strand). Cytogenetic location: 7q22.1.
Variant type: single nucleotide variant.
Coding change: c.566T>G on transcript NM_004722.4 (MANE Select); coding-DNA position 566, T replaced by G.
Protein change: p.Leu189Trp; replaces leucine 189 with tryptophan.
Molecular consequence: missense variant.
Genome position (GRCh38, 1-based): chr7:100,104,114, T>G. VCF-style: chr7-100104114-T-G. GRCh37 (hg19) VCF-style: chr7-99701737-T-G.
Other names: c.587T>G, p.Leu196Trp (NM_001363671.2); short protein forms L189W, L196W.
Identifiers: ClinVar variation 1333549 (VCV001333549.2), dbSNP rs2116643609, ClinGen allele CA368468755.
Genomic context (GRCh38, chr7:100,104,114, plus strand): 5'-TTCTGCTTCCAACCACCCAAATTCTCTCTCTTTCTCAGAGCCAAAAGAATGAAGTTTTTT[T>G]GGATGTGGTCGAGAGATTGTCTGTACTGATAGCATCTAATGTAAGTTTGAGCTCCCAAAC-3'
Protein context (NP_004713.2, residues 179-199): SDQSQKNEVF[Leu189Trp]DVVERLSVLI

ClinVar aggregate classification (germline): Uncertain significance (1 of 4 stars; one submission).

Conditions:
Hereditary spastic paraplegia 50 (SPG50). Also called: Spastic paraplegia 50, autosomal recessive. Identifiers: Orphanet 280763, MedGen C2752008, MONDO:0013048, OMIM 612936.

Submission:

3billion
Classification: Uncertain significance for Hereditary spastic paraplegia 50. Last evaluated: 2022-01-03. Review status: criteria provided, single submitter. Criteria: ACMG Guidelines, 2015. Collection method: clinical testing. Allele origin: germline. Affected: yes. Observed: 1 heterozygote.
Comment: The variant has been reported to be in trans with a pathogenic variant as either compound heterozygous or homozygous in at least one similarly affected unrelated individual (3billion dataset, PM3_M). In silico tool predictions suggest damaging effect of the variant on gene or gene product (3CNET: 0.825, PP3_P). It is not observed in the gnomAD v2.1.1 dataset (PM2_M). Therefore, this variant is classified as uncertain significance according to the recommendation of ACMG/AMP guideline.